The following is an entry in ClinVar:

NM_000447.3(PSEN2):c.499-15A>G

Gene: PSEN2 (presenilin 2; plus strand). Cytogenetic location: 1q42.13.
Variant type: single nucleotide variant.
Coding change: c.499-15A>G on transcript NM_000447.3 (MANE Select); 15 bases into the intron before coding-DNA position 499, A replaced by G.
Molecular consequence: intron variant.
Genome position (GRCh38, 1-based): chr1:226,888,076, A>G. VCF-style: chr1-226888076-A-G. GRCh37 (hg19) VCF-style: chr1-227075777-A-G.
Other names: c.499-15A>G (NM_012486.3).
Identifiers: ClinVar variation 3011675 (VCV003011675.3), dbSNP rs777722810, ClinGen allele CA1424552.

ClinVar aggregate classification (germline): Uncertain significance (1 of 4 stars; one submission).

Conditions:
Alzheimer disease 4 (AD4). Identifiers: Orphanet 1020, MedGen C1847200, MONDO:0011743, OMIM 606889.

Allele frequency attached by ClinVar (database versions not stated): TOPMed below 0.00001; gnomAD 0.00001; gnomAD exomes 0.00001; ExAC 0.00002.
gnomAD v4.1: 16 of 1,610,832 alleles (0.00099%); highest among the groups gnomAD compares: African/African-American, 0.0013%; no homozygotes.

Submission:

Labcorp Genetics (formerly Invitae), Labcorp
Classification: Uncertain significance for Alzheimer disease 4. Last evaluated: 2023-09-05. Review status: criteria provided, single submitter. Criteria: Invitae Variant Classification Sherloc (09022015). Collection method: clinical testing. Allele origin: germline.
Comment: This variant has not been reported in the literature in individuals affected with PSEN2-related conditions. This variant is present in population databases (rs777722810, gnomAD 0.003%). This sequence change falls in intron 6 of the PSEN2 gene. It does not directly change the encoded amino acid sequence of the PSEN2 protein. Algorithms developed to predict the effect of sequence changes on RNA splicing suggest that this variant may create or strengthen a splice site. In summary, the available evidence is currently insufficient to determine the role of this variant in disease. Therefore, it has been classified as a Variant of Uncertain Significance.